The following is an entry in ClinVar:

ClinVar aggregate classification (germline): Likely pathogenic (1 of 4 stars; one submission).

Conditions:
Neutropenia, severe congenital, 1, autosomal dominant. Identifiers: MedGen C1859966, MONDO:0042490, OMIM 202700.
Cyclical neutropenia. Also called: Cyclic hematopoiesis; Cyclic Neutropenia. Identifiers: Orphanet 2686, MedGen C0221023, MONDO:0008090, OMIM 162800, HP:0040289. Disease mechanism: loss of function.

Allele frequency attached by ClinVar (database versions not stated): gnomAD exomes below 0.00001; gnomAD 0.00001; TOPMed 0.00002.

Submission:

Labcorp Genetics (formerly Invitae), Labcorp
Classification: Likely pathogenic for Neutropenia, severe congenital, 1, autosomal dominant; Cyclical neutropenia. Last evaluated: 2023-09-12. Review status: criteria provided, single submitter. Criteria: Invitae Variant Classification Sherloc (09022015). Collection method: clinical testing. Allele origin: germline.
Comment: Advanced modeling of protein sequence and biophysical properties (such as structural, functional, and spatial information, amino acid conservation, physicochemical variation, residue mobility, and thermodynamic stability) performed at Invitae indicates that this missense variant is expected to disrupt ELANE protein function. This sequence change replaces glycine, which is neutral and non-polar, with serine, which is neutral and polar, at codon 203 of the ELANE protein (p.Gly203Ser). This variant is present in population databases (rs201139487, gnomAD 0.003%). This variant has not been reported in the literature in individuals affected with ELANE-related conditions. This variant disrupts the p.Gly203 amino acid residue in ELANE. Other variant(s) that disrupt this residue have been determined to be pathogenic (PMID: 19036076, 22148006, 30273710, 30635825). This suggests that this residue is clinically significant, and that variants that disrupt this residue are likely to be disease-causing. In summary, the currently available evidence indicates that the variant is pathogenic, but additional data are needed to prove that conclusively. Therefore, this variant has been classified as Likely Pathogenic.

Literature cited by the submitters: PubMed 19036076; PubMed 22148006; PubMed 30273710; PubMed 30635825.

NM_001972.4(ELANE):c.607G>A (p.Gly203Ser)

Gene: ELANE (elastase, neutrophil expressed; plus strand). Cytogenetic location: 19p13.3.
Variant type: single nucleotide variant.
Coding change: c.607G>A on transcript NM_001972.4 (MANE Select); coding-DNA position 607, G replaced by A.
Protein change: p.Gly203Ser; replaces glycine 203 with serine.
Molecular consequence: missense variant.
Genome position (GRCh38, 1-based): chr19:855,967, G>A. VCF-style: chr19-855967-G-A. GRCh37 (hg19) VCF-style: chr19-855967-G-A.
Other names: short protein forms G203S.
Identifiers: ClinVar variation 2922865 (VCV002922865.3), dbSNP rs201139487, ClinGen allele CA303945234.